The following is an entry in ClinVar:

NM_006514.4(SCN10A):c.4660C>T (p.Leu1554=)

Gene: SCN10A (sodium voltage-gated channel alpha subunit 10; minus strand). Cytogenetic location: 3p22.2.
Variant type: single nucleotide variant.
Coding change: c.4660C>T on transcript NM_006514.4 (MANE Select); coding-DNA position 4660, C replaced by T.
Protein change: p.Leu1554=; no amino-acid change (leucine 1554 retained).
Molecular consequence: synonymous variant.
Genome position (GRCh38, 1-based): chr3:38,698,560, G>A on the plus strand (C>T on the coding strand, the complement: SCN10A is on the minus strand). VCF-style: chr3-38698560-G-A. GRCh37 (hg19) VCF-style: chr3-38740051-G-A.
Other names: c.4657C>T, p.Leu1553= (NM_001293306.2); c.4366C>T, p.Leu1456= (NM_001293307.2).
Identifiers: ClinVar variation 532131 (VCV000532131.40), dbSNP rs745999522, ClinGen allele CA2319836.

ClinVar aggregate classification (germline): Likely benign. Review status: criteria provided, multiple submitters, no conflicts (2 of 4 stars). 6 submissions from 6 submitters: Likely benign (4). 2 of the submissions do not count toward it. Last evaluated 2025-12-16.

Conditions:
Brugada syndrome. Also called: Sudden unexpected nocturnal death syndrome; Sudden Unexplained Death Syndrome; Sudden Unexplained Nocturnal Death Syndrome (SUNDS); Sudden unexplained nocturnal death syndrome. Identifiers: Orphanet 130, MedGen C1142166, MONDO:0015263.
Cardiovascular phenotype. Identifiers: MedGen CN230736.

Allele frequency attached by ClinVar (database versions not stated): ExAC 0.00002; gnomAD exomes 0.00003 and 0.00008; gnomAD 0.00006; TOPMed 0.00007.
gnomAD v4.1: 129 of 1,609,962 alleles (0.008%); highest among the groups gnomAD compares: Middle Eastern, 0.049%; 1 homozygote.

Submissions (6):

Labcorp Genetics (formerly Invitae), Labcorp
Classification: Likely benign for Brugada syndrome. Last evaluated: 2025-12-16. Review status: criteria provided, single submitter. Criteria: Invitae Variant Classification Sherloc (09022015). Collection method: clinical testing. Allele origin: germline.

Women's Health and Genetics/Laboratory Corporation of America, LabCorp
Classification: Likely benign. Last evaluated: 2025-05-20. Review status: criteria provided, single submitter. Criteria: LabCorp Variant Classification Summary - May 2015. Collection method: clinical testing. Allele origin: germline.
Comment: Variant summary: SCN10A c.4660C>T (p.Leu1554Leu) alters a non-conserved nucleotide located close to a canonical splice site and therefore could affect mRNA splicing, leading to a significantly altered protein sequence. Consensus agreement among computation tools predict no significant impact on normal splicing. However, these predictions have yet to be confirmed by functional studies. The variant allele was found at a frequency of 8e-05 in 1609962 control chromosomes in the gnomAD database, including 1 homozygote, suggesting the variant may be benign. To our knowledge, no occurrence of c.4660C>T in individuals affected with Episodic pain syndrome, familial, 2 and no experimental evidence demonstrating its impact on protein function have been reported. ClinVar contains an entry for this variant (Variation ID: 532131). Based on the evidence outlined above, the variant was classified as likely benign.

CeGaT Center for Human Genetics Tuebingen
Classification: Likely benign. Last evaluated: 2023-02-01. Review status: criteria provided, single submitter. Criteria: CeGaT Center For Human Genetics Tuebingen Variant Classification Criteria Version 2. Collection method: clinical testing. Allele origin: germline. Affected: yes. Observed: 1 variant allele.
Comment: SCN10A: BP4, BP7

Ambry Genetics
Classification: Likely benign for Cardiovascular phenotype. Last evaluated: 2019-04-19. Review status: criteria provided, single submitter. Criteria: Ambry Variant Classification Scheme 2023. Collection method: clinical testing. Allele origin: germline.

Clinical Genetics, Academic Medical Center
Classification: Benign. Review status: no assertion criteria provided. Collection method: clinical testing. Allele origin: germline. Affected: yes. Study: VKGL Data-share Consensus. Not counted in ClinVar's aggregate classification.

Joint Genome Diagnostic Labs from Nijmegen and Maastricht, Radboudumc and MUMC+
Classification: Likely benign. Review status: no assertion criteria provided. Collection method: clinical testing. Allele origin: germline. Affected: yes. Study: VKGL Data-share Consensus. Not counted in ClinVar's aggregate classification.